The following is an entry in ClinVar:

NM_006922.4(SCN3A):c.5947A>G (p.Lys1983Glu)

Gene: SCN3A (sodium voltage-gated channel alpha subunit 3; minus strand). Cytogenetic location: 2q24.3.
Variant type: single nucleotide variant.
Coding change: c.5947A>G on transcript NM_006922.4 (MANE Select); coding-DNA position 5947, A replaced by G.
Protein change: p.Lys1983Glu; replaces lysine 1983 with glutamic acid.
Molecular consequence: missense variant.
Genome position (GRCh38, 1-based): chr2:165,090,206, T>C on the plus strand (A>G on the coding strand, the complement: SCN3A is on the minus strand). VCF-style: chr2-165090206-T-C. GRCh37 (hg19) VCF-style: chr2-165946716-T-C.
Other names: c.5800A>G, p.Lys1934Glu (NM_001081676.2, NM_001081677.2); short protein forms K1934E, K1983E.
Identifiers: ClinVar variation 1063741 (VCV001063741.9), dbSNP rs774354894, ClinGen allele CA349009064.

ClinVar aggregate classification (germline): Uncertain significance (1 of 4 stars; one submission).

Allele frequency attached by ClinVar (database versions not stated): gnomAD 0.00001.
gnomAD v4.1: 2 of 1,605,496 alleles (0.00012%); highest among the groups gnomAD compares: African/African-American, 0.0027%; no homozygotes.

Submission:

Labcorp Genetics (formerly Invitae), Labcorp
Classification: Uncertain significance. Last evaluated: 2022-08-09. Review status: criteria provided, single submitter. Criteria: Invitae Variant Classification Sherloc (09022015). Collection method: clinical testing. Allele origin: germline.
Comment: In summary, the available evidence is currently insufficient to determine the role of this variant in disease. Therefore, it has been classified as a Variant of Uncertain Significance. Algorithms developed to predict the effect of missense changes on protein structure and function are either unavailable or do not agree on the potential impact of this missense change (SIFT: "Tolerated"; PolyPhen-2: "Possibly Damaging"; Align-GVGD: "Class C0"). ClinVar contains an entry for this variant (Variation ID: 1063741). This variant has not been reported in the literature in individuals affected with SCN3A-related conditions. The frequency data for this variant in the population databases is considered unreliable, as metrics indicate poor data quality at this position in the gnomAD database. This sequence change replaces lysine, which is basic and polar, with glutamic acid, which is acidic and polar, at codon 1983 of the SCN3A protein (p.Lys1983Glu).